The following is an entry in ClinVar:

ClinVar aggregate classification (germline): Uncertain significance (1 of 4 stars; one submission).

Conditions:
Familial focal epilepsy with variable foci (FPEVF). Identifiers: Orphanet 98820, MedGen C1858477, MONDO:0020310.

gnomAD v4.1: 1 of 1,614,202 alleles (0.000062%); highest among the groups gnomAD compares: Non-Finnish European, 0.000085%; no homozygotes.

Submission:

Labcorp Genetics (formerly Invitae), Labcorp
Classification: Uncertain significance for Familial focal epilepsy with variable foci. Last evaluated: 2025-08-18. Review status: criteria provided, single submitter. Criteria: Invitae Variant Classification Sherloc (09022015). Collection method: clinical testing. Allele origin: germline.
Comment: This sequence change replaces valine, which is neutral and non-polar, with methionine, which is neutral and non-polar, at codon 990 of the DEPDC5 protein (p.Val990Met). This variant is not present in population databases (gnomAD no frequency). This variant has not been reported in the literature in individuals affected with DEPDC5-related conditions. ClinVar contains an entry for this variant (Variation ID: 3616057). An algorithm developed to predict the effect of missense changes on protein structure and function outputs the following: PolyPhen-2: "Not Available". The methionine amino acid residue is found in multiple mammalian species, which suggests that this missense change does not adversely affect protein function. In summary, the available evidence is currently insufficient to determine the role of this variant in disease. Therefore, it has been classified as a Variant of Uncertain Significance.

NM_001242896.3(DEPDC5):c.2968G>A (p.Val990Met)

Gene: DEPDC5 (DEP domain containing 5, GATOR1 subcomplex subunit; plus strand). Cytogenetic location: 22q12.3.
Variant type: single nucleotide variant.
Coding change: c.2968G>A on transcript NM_001242896.3 (MANE Select); coding-DNA position 2968, G replaced by A.
Protein change: p.Val990Met; replaces valine 990 with methionine.
Molecular consequence: missense variant. On other transcripts: non-coding transcript variant (5).
Genome position (GRCh38, 1-based): chr22:31,845,184, G>A. VCF-style: chr22-31845184-G-A. GRCh37 (hg19) VCF-style: chr22-32241170-G-A.
Other names: c.2941G>A, p.Val981Met (NM_014662.6, NM_001136029.4, NM_001369903.1); c.2734G>A, p.Val912Met (NM_001242897.2, NM_001363854.2, NM_001364319.2); c.2968G>A, p.Val990Met (NM_001363852.2, NM_001364318.2, NM_001364320.2); c.2884G>A, p.Val962Met (NM_001369901.1, NM_001369902.1); short protein forms V912M, V962M, V981M, V990M.
Identifiers: ClinVar variation 3616057 (VCV003616057.2).
Genomic context (GRCh38, chr22:31,845,184, plus strand): 5'-GGGGACAGGCCCCGTGCAGACGAGGACGAGTGGCAACTCCTGGATGGTTTTGTCCGCTTT[G>A]TGGAGGGCTTGAATCGCATTCGCAGGCGGCATCGCTCGGATCGCATGATGCGGGTAAGGG-3'
Protein context (NP_001229825.1, residues 980-1000): WQLLDGFVRF[Val990Met]EGLNRIRRRH